The following is an entry in ClinVar:

ClinVar aggregate classification (germline): Uncertain significance. Review status: criteria provided, multiple submitters, no conflicts (2 of 4 stars). 2 submissions from 2 submitters: Uncertain significance (2). Last evaluated 2026-08-24.

Conditions:
Cardiovascular phenotype. Identifiers: MedGen CN230736.
Primary familial hypertrophic cardiomyopathy (HCM). Identifiers: Orphanet 99739, MedGen C0949658, MeSH D024741, MONDO:0024573. Inheritance: Various modes of inheritance.
Dilated cardiomyopathy 1AA (CMD1AA). Also called: Cardiomyopathy, dilated, 1AA, with or without LVNC; CARDIOMYOPATHY, FAMILIAL HYPERTROPHIC, 23, WITH OR WITHOUT LEFT VENTRICULAR NONCOMPACTION; CARDIOMYOPATHY, DILATED, 1AA, WITH OR WITHOUT LEFT VENTRICULAR NONCOMPACTION. Identifiers: Orphanet 154, MedGen C2677338, MONDO:0012808, OMIM 612158.

Allele frequency attached by ClinVar (database versions not stated): gnomAD exomes below 0.00001; TOPMed 0.00001.
gnomAD v4.1: 1 of 1,614,184 alleles (0.000062%); highest among the groups gnomAD compares: Non-Finnish European, 0.000085%; no homozygotes.

Submissions (2):

Ambry Genetics
Classification: Uncertain significance for Cardiovascular phenotype. Last evaluated: 2026-08-24. Review status: criteria provided, single submitter. Criteria: Ambry Variant Classification Scheme 2023. Collection method: clinical testing. Allele origin: germline.
Comment: The p.Q460R variant (also known as c.1379A>G), located in coding exon 12 of the ACTN2 gene, results from an A to G substitution at nucleotide position 1379. The glutamine at codon 460 is replaced by arginine, an amino acid with highly similar properties. This amino acid position is conserved. In addition, the in silico prediction for this alteration is inconclusive. Based on the available evidence, the clinical significance of this variant remains unclear.

Labcorp Genetics (formerly Invitae), Labcorp
Classification: Uncertain significance for Primary familial hypertrophic cardiomyopathy; Dilated cardiomyopathy 1AA. Last evaluated: 2021-09-21. Review status: criteria provided, single submitter. Criteria: Invitae Variant Classification Sherloc (09022015). Collection method: clinical testing. Allele origin: germline.
Comment: This sequence change replaces glutamine with arginine at codon 460 of the ACTN2 protein (p.Gln460Arg). The glutamine residue is highly conserved and there is a small physicochemical difference between glutamine and arginine. In summary, the available evidence is currently insufficient to determine the role of this variant in disease. Therefore, it has been classified as a Variant of Uncertain Significance. Advanced modeling of protein sequence and biophysical properties (such as structural, functional, and spatial information, amino acid conservation, physicochemical variation, residue mobility, and thermodynamic stability) performed at Invitae indicates that this missense variant is not expected to disrupt ACTN2 protein function. This missense change has been observed in individual(s) with clinical features of hypertrophic cardiomyopathy (PMID: 31737537). This variant is not present in population databases (ExAC no frequency).

Literature cited by the submitters: PubMed 31737537 (cited by Labcorp Genetics (formerly Invitae), Labcorp).

NM_001103.4(ACTN2):c.1379A>G (p.Gln460Arg)

Gene: ACTN2 (actinin alpha 2; plus strand). Cytogenetic location: 1q43.
Variant type: single nucleotide variant.
Coding change: c.1379A>G on transcript NM_001103.4 (MANE Select); coding-DNA position 1379, A replaced by G.
Protein change: p.Gln460Arg; replaces glutamine 460 with arginine.
Molecular consequence: missense variant.
Genome position (GRCh38, 1-based): chr1:236,744,749, A>G. VCF-style: chr1-236744749-A-G. GRCh37 (hg19) VCF-style: chr1-236908049-A-G.
Other names: c.1379A>G, p.Gln460Arg (NM_001278343.2); c.755A>G, p.Gln252Arg (NM_001278344.2); c.1379A>G (NM_001103.2); short protein forms Q252R, Q460R.
Identifiers: ClinVar variation 1427783 (VCV001427783.7), dbSNP rs1659176119, ClinGen allele CA345383035.
Genomic context (GRCh38, chr1:236,744,749, plus strand): 5'-TGCTGCGGAAGCACGAGGCGTTCGAGAGCGACCTGGCAGCGCACCAGGACCGCGTGGAGC[A>G]GATCGCAGCCATCGCGCAGGAGCTCAAGTATGTGCAGATGCCCTCCGTCCTCCCGGGAGC-3'
Protein context (NP_001094.1, residues 450-470): DLAAHQDRVE[Gln460Arg]IAAIAQELNE